The following is an entry in ClinVar:

ClinVar aggregate classification (germline): Uncertain significance (1 of 4 stars; one submission).

Conditions:
FREM2-related disorder. Also called: FREM2-related condition.

gnomAD v4.1: 4 of 1,613,960 alleles (0.00025%); highest among the groups gnomAD compares: Non-Finnish European, 0.00034%; no homozygotes.

Submission:

PreventionGenetics, part of Exact Sciences
Classification: Uncertain significance for FREM2-related condition. Last evaluated: 2025-09-04. Review status: criteria provided, single submitter. Criteria: ACMG Guidelines, 2015. Collection method: clinical testing. Allele origin: germline.
Comment: The FREM2 c.3322A>G variant is predicted to result in the amino acid substitution p.Ile1108Val. To our knowledge, this variant has not been reported in the literature. This variant is reported in 0.00088% of alleles in individuals of European (Non-Finnish) descent in gnomAD. At this time, the clinical significance of this variant is uncertain due to the absence of conclusive functional and genetic evidence.

NM_207361.6(FREM2):c.3322A>G (p.Ile1108Val)

Gene: FREM2 (FRAS1 related extracellular matrix 2; plus strand). Cytogenetic location: 13q13.3.
Variant type: single nucleotide variant.
Coding change: c.3322A>G on transcript NM_207361.6 (MANE Select); coding-DNA position 3322, A replaced by G.
Protein change: p.Ile1108Val; replaces isoleucine 1108 with valine.
Molecular consequence: missense variant.
Genome position (GRCh38, 1-based): chr13:38,690,666, A>G. VCF-style: chr13-38690666-A-G. GRCh37 (hg19) VCF-style: chr13-39264803-A-G.
Other names: short protein forms I1108V.
Identifiers: ClinVar variation 4995906 (VCV004995906.1).
Genomic context (GRCh38, chr13:38,690,666, plus strand): 5'-GTGCATATAAGTGCTGAAGATGTCGACTCCCTGAATGATGACATCTTGTGCACTATAGTT[A>G]TTCAGCCTACTTCAGGTTATGTTGAAAACATTTCTCCAGCACCAGGCTCTGAGAAATCAA-3'
Protein context (NP_997244.4, residues 1098-1118): LNDDILCTIV[Ile1108Val]QPTSGYVENI